The following is an entry in ClinVar:

ClinVar aggregate classification (germline): Likely pathogenic. Review status: criteria provided, single submitter (1 of 4 stars). 2 submissions from 2 submitters: Likely pathogenic (1). 1 of the submissions does not count toward it. Last evaluated 2025-07-17.

Conditions:
Zellweger spectrum disorders (ZS). Also called: Zellweger Spectrum Disorder; Zellweger Spectrum; Zellweger syndrome; Zellweger Spectrum Disorder (ZSD). Identifiers: Orphanet 912, MedGen C0043459, MONDO:0019609.
Peroxisome biogenesis disorder 6B (PBD6B). Identifiers: Orphanet 44, MedGen C3553948, MONDO:0013937, OMIM 614871.

Submissions (2):

Natera, Inc.
Classification: Likely pathogenic for Zellweger syndrome. Last evaluated: 2025-07-17. Review status: criteria provided, single submitter. Criteria: Natera Variant Classification Schema (03/2026). Collection method: clinical testing. Allele origin: germline.
Comment: The c.930C>G variant in PEX10 is a missense variant predicted to cause substitution of histidine to glutamine at amino acid 310. This variant is rare in the general population with a frequency below the threshold expected for the associated phenotype(s). This variant has been observed in one or more individuals affected with the associated recessive disease, as either homozygous or compound heterozygous with a second variant (PMID: 9683594). A different variant at the same position has been determined to be Pathogenic or Likely Pathogenic. Computational prediction algorithms indicate this variant is likely to affect gene or protein function. Given the available evidence, this variant is classified as Likely Pathogenic.

OMIM
Classification: Pathogenic for PEROXISOME BIOGENESIS DISORDER 6B. Last evaluated: 1998-08-01. Review status: no assertion criteria provided. Collection method: literature only. Allele origin: germline. Not counted in ClinVar's aggregate classification.

Literature cited by the submitters: PubMed 9683594 (cited by Natera, Inc. and OMIM).

NM_002617.4(PEX10):c.870C>G (p.His290Gln)

Gene: PEX10 (peroxisomal biogenesis factor 10; minus strand). Cytogenetic location: 1p36.32.
Variant type: single nucleotide variant.
Coding change: c.870C>G on transcript NM_002617.4 (MANE Select); coding-DNA position 870, C replaced by G.
Protein change: p.His290Gln; replaces histidine 290 with glutamine.
Molecular consequence: missense variant. On other transcripts: non-coding transcript variant (1).
Genome position (GRCh38, 1-based): chr1:2,406,526, G>C on the plus strand (C>G on the coding strand, the complement: PEX10 is on the minus strand). VCF-style: chr1-2406526-G-C. GRCh37 (hg19) VCF-style: chr1-2337965-G-C.
Other names: c.927C>G, p.His309Gln (NM_001374425.1); c.495C>G, p.His165Gln (NM_001374426.1); c.438C>G, p.His146Gln (NM_001374427.1); c.930C>G, p.His310Gln (NM_153818.2); c.930C>G (NM_153818.1); short protein forms H290Q, H310Q, H146Q, H165Q, H309Q.
Identifiers: ClinVar variation 6771 (VCV000006771.2), dbSNP rs61752095, ClinGen allele CA118504.